The following is an entry in ClinVar:

NM_001165963.4(SCN1A):c.2164A>C (p.Asn722His)

Gene: SCN1A (sodium voltage-gated channel alpha subunit 1; minus strand). Cytogenetic location: 2q24.3.
Variant type: single nucleotide variant.
Coding change: c.2164A>C on transcript NM_001165963.4 (MANE Select); coding-DNA position 2164, A replaced by C.
Protein change: p.Asn722His; replaces asparagine 722 with histidine.
Molecular consequence: missense variant. On other transcripts: 5 prime UTR variant (1), non-coding transcript variant (1).
Genome position (GRCh38, 1-based): chr2:166,042,304, T>G on the plus strand (A>C on the coding strand, the complement: SCN1A is on the minus strand). VCF-style: chr2-166042304-T-G. GRCh37 (hg19) VCF-style: chr2-166898814-T-G.
Other names: c.2080A>C, p.Asn694His (NM_001165964.3, NM_001353957.2, NM_001353958.2); c.2164A>C, p.Asn722His (NM_001202435.3, NM_001353948.2); c.2131A>C, p.Asn711His (NM_001353949.2, NM_001353950.2, NM_001353951.2 and 2 more transcripts); c.2128A>C, p.Asn710His (NM_001353954.2, NM_001353955.2); c.2077A>C, p.Asn693His (NM_001353960.2); c.-295A>C (NM_001353961.2); short protein forms N693H, N694H, N710H, N711H, N722H.
Identifiers: ClinVar variation 1174588 (VCV001174588.2), dbSNP rs1341631584, ClinGen allele CA349065598.

ClinVar aggregate classification (germline): Uncertain significance (1 of 4 stars; one submission).

Conditions:
Generalized epilepsy with febrile seizures plus, type 2 (GEFSP2). Also called: GEFS+, TYPE 2. Identifiers: Orphanet 36387, MedGen C1858673, MONDO:0011461, OMIM 604403.

Allele frequency attached by ClinVar (database versions not stated): gnomAD exomes below 0.00001.
gnomAD v4.1: 1 of 1,613,888 alleles (0.000062%); highest among the groups gnomAD compares: South Asian, 0.0011%; no homozygotes.

Submission:

Lifecell International Pvt. Ltd
Classification: Uncertain significance for Generalized epilepsy with febrile seizures plus, type 2. Review status: criteria provided, single submitter. Criteria: ACMG Guidelines 2015. Collection method: clinical testing. Allele origin: germline. Inheritance: Autosomal dominant inheritance. Affected: yes. Observed: 1 variant allele, 1 heterozygote.
Comment: A heterozygous missense variant (c.2164A>C) in exon 15 of the SCN1A gene that results in the amino acid substitution from Asparagine to Histidine at codon 722 (p.Asn722His) was identified. The observed variant has a minor allele frequency of 0.0004% in gnomAD database and not reported in 1000 genome database. The reference base is conserved across the species and in-silico predictions by Polyphen and SIFT are damaging. The Missense Variants Z-Score for this variant is 5.61. Missense Variants Z-Score is produced by the Exome Aggregation Consortium (60,706 adult humans) by computing a signed Z score for the deviation of observed counts from the expected number. Positive Z scores indicate increased constraint (intolerance to variation) and therefore that the gene had fewer missense variants than expected. (DOI: 10.1038/nature19057). The MPC score for this variant is 1.74. MPC score is computed on an analysis of the ExAC population frequencies, the Missense Badness Score is the normalized fold difference of observed versus expected missense substitutions in sub-genic regions. This score is then combined with orthogonal deleteriousness metrics into one score called MPC (for Missense badness, PolyPhen-2, and Constraint) designed to classify whether a missense variant is deleterious. (DOI: 10.1101/148353). Based on the above evidence this variant has been classified as variant of uncertain significance according to the ACMG guidelines.